The following is an entry in ClinVar:

ClinVar aggregate classification (germline): Uncertain significance. Review status: criteria provided, multiple submitters, no conflicts (2 of 4 stars). 5 submissions from 4 submitters: Uncertain significance (5). Last evaluated 2025-07-07.

Conditions:
Hypercholesterolemia, autosomal dominant, 3 (FHCL3). Also called: PCSK9-Related Familial Hypercholesterolemia, Autosomal Dominant; Familial Hypercholesterolemia, Autosomal Dominant, 3; Familial hypercholesterolemia 3. Identifiers: MedGen C1863551, MONDO:0011369, OMIM 603776.
Cardiovascular phenotype. Identifiers: MedGen CN230736.
Familial hypercholesterolemia. Also called: Familial hypercholesterolemias; Familial hypercholesterolaemia. Identifiers: MedGen C0020445, MONDO:0005439.
Hypobetalipoproteinemia. Identifiers: Orphanet 31154, MedGen C0020597, MONDO:0017774.

Allele frequency attached by ClinVar (database versions not stated): ExAC 0.00001; gnomAD exomes 0.00001 and 0.00002; TOPMed 0.00001.
gnomAD v4.1: 9 of 1,610,242 alleles (0.00056%); highest among the groups gnomAD compares: South Asian, 0.0033%; no homozygotes.

Submissions (5):

GeneDx
Classification: Uncertain significance. Last evaluated: 2025-07-07. Review status: criteria provided, single submitter. Criteria: GeneDx Variant Classification Process June 2021. Collection method: clinical testing. Allele origin: germline. Affected: yes.
Comment: Not observed at significant frequency in large population cohorts (gnomAD); In silico analysis suggests that this missense variant does not alter protein structure/function; Has not been previously published as pathogenic or benign to our knowledge

Ambry Genetics
Classification: Uncertain significance for Cardiovascular phenotype. Last evaluated: 2024-12-14. Review status: criteria provided, single submitter. Criteria: Ambry Variant Classification Scheme 2023. Collection method: clinical testing. Allele origin: germline.
Comment: The p.R582Q variant (also known as c.1745G>A), located in coding exon 11 of the PCSK9 gene, results from a G to A substitution at nucleotide position 1745. The arginine at codon 582 is replaced by glutamine, an amino acid with highly similar properties. This amino acid position is conserved. In addition, this alteration is predicted to be tolerated by in silico analysis. Based on the available evidence, the clinical significance of this variant remains unclear.

Color Diagnostics, LLC DBA Color Health
Classification: Uncertain significance for Familial hypercholesterolemia. Last evaluated: 2024-03-07. Review status: criteria provided, single submitter. Criteria: ACMG Guidelines, 2015. Collection method: clinical testing. Allele origin: germline.
Comment: This missense variant replaces arginine with glutamine at codon 582 of the PCSK9 protein. Computational prediction suggests that this variant may not impact protein structure and function (internally defined REVEL score threshold <= 0.5, PMID: 27666373). Splice site prediction tools suggest that this variant may not impact RNA splicing. To our knowledge, functional studies have not been performed for this variant. This variant has not been reported in individuals affected with familial hypercholesterolemia in the literature. This variant has been identified in 4/240624 chromosomes in the general population by the Genome Aggregation Database (gnomAD). The available evidence is insufficient to determine the role of this variant in disease conclusively. Therefore, this variant is classified as a Variant of Uncertain Significance.

Illumina Laboratory Services, Illumina
Classification: Uncertain significance for Hypercholesterolemia, autosomal dominant, 3. Last evaluated: 2017-04-28. Review status: criteria provided, single submitter. Criteria: ICSL Variant Classification Criteria 13 December 2019. Collection method: clinical testing. Allele origin: germline.

Illumina Laboratory Services, Illumina
Classification: Uncertain significance for Hypobetalipoproteinemia. Last evaluated: 2017-04-28. Review status: criteria provided, single submitter. Criteria: ICSL Variant Classification Criteria 13 December 2019. Collection method: clinical testing. Allele origin: germline.

NM_174936.4(PCSK9):c.1745G>A (p.Arg582Gln)

Gene: PCSK9 (proprotein convertase subtilisin/kexin type 9; plus strand). Cytogenetic location: 1p32.3.
Variant type: single nucleotide variant.
Coding change: c.1745G>A on transcript NM_174936.4 (MANE Select); coding-DNA position 1745, G replaced by A.
Protein change: p.Arg582Gln; replaces arginine 582 with glutamine.
Molecular consequence: missense variant.
Genome position (GRCh38, 1-based): chr1:55,061,438, G>A. VCF-style: chr1-55061438-G-A. GRCh37 (hg19) VCF-style: chr1-55527111-G-A.
Other names: c.1868G>A, p.Arg623Gln (NM_001407240.1); c.1787G>A, p.Arg596Gln (NM_001407241.1); c.1748G>A, p.Arg583Gln (NM_001407242.1); c.1688G>A, p.Arg563Gln (NM_001407243.1); c.1571G>A, p.Arg524Gln (NM_001407244.1); c.1553G>A, p.Arg518Gln (NM_001407245.1); c.1370G>A, p.Arg457Gln (NM_001407246.1); c.1244G>A, p.Arg415Gln (NM_001407247.1); short protein forms R582Q, R518Q, R524Q, R563Q, R583Q, R623Q, R415Q, R457Q.
Identifiers: ClinVar variation 876539 (VCV000876539.11), dbSNP rs745333538, ClinGen allele CA038743.